The following is an entry in ClinVar:

ClinVar aggregate classification (germline): Benign. Review status: criteria provided, multiple submitters, no conflicts (2 of 4 stars). 2 submissions from 2 submitters: Benign (2). Last evaluated 2018-01-13.

Conditions:
Colorectal cancer, hereditary nonpolyposis, type 7. Identifiers: Orphanet 144, MedGen C1858380, MONDO:0013725, OMIM 614385.

Allele frequency attached by ClinVar (database versions not stated): TOPMed 0.38975; gnomAD 0.40460 and 0.40352; 1000 Genomes Project 0.34525; gnomAD exomes 0.39053; 1000 Genomes Project 30x 0.35009.
gnomAD v4.1: 82,039 of 204,380 alleles (40%); highest among the groups gnomAD compares: Middle Eastern, 47%; 17,304 homozygotes.

Submissions (2):

Illumina Laboratory Services, Illumina
Classification: Benign for Colorectal cancer, hereditary nonpolyposis, type 7. Last evaluated: 2018-01-13. Review status: criteria provided, single submitter. Criteria: ICSL Variant Classification Criteria 13 December 2019. Collection method: clinical testing. Allele origin: germline.
Comment: This variant was observed in the ICSL laboratory as part of a predisposition screen in an ostensibly healthy population. It had not been previously curated by ICSL or reported in the Human Gene Mutation Database (HGMD: prior to June 1st, 2018), and was therefore a candidate for classification through an automated scoring system. Utilizing variant allele frequency, disease prevalence and penetrance estimates, and inheritance mode, an automated score was calculated to assess if this variant is too frequent to cause the disease. Based on the score and internal cut-off values, a variant classified as benign is not then subjected to further curation. The score for this variant resulted in a classification of benign for this disease.

Breakthrough Genomics
Classification: Benign. Review status: criteria provided, single submitter. Criteria: ACMG Guidelines, 2015. Collection method: not provided. Allele origin: germline. Inheritance: Autosomal dominant inheritance. Affected: yes.

NM_001040108.2(MLH3):c.*2417G>A

Gene: MLH3 (mutL homolog 3; minus strand). Cytogenetic location: 14q24.3.
Variant type: single nucleotide variant.
Coding change: c.*2417G>A on transcript NM_001040108.2 (MANE Select); 2417 bases downstream of the stop codon, G replaced by A.
Molecular consequence: 3 prime UTR variant.
Genome position (GRCh38, 1-based): chr14:75,014,665, C>T on the plus strand (G>A on the coding strand, the complement: MLH3 is on the minus strand). VCF-style: chr14-75014665-C-T. GRCh37 (hg19) VCF-style: chr14-75481368-C-T.
Other names: c.*2417G>A (NM_014381.3).
Identifiers: ClinVar variation 314351 (VCV000314351.6), dbSNP rs175049, ClinGen allele CA10646122.
Genomic context (GRCh38, chr14:75,014,665, plus strand): 5'-CTTGAAGGTAGAGACAGCCATAGGAACCTTCACTTCTCAATGAAGTGTTGATGAATGTTA[C>T]AGAAAAAGGAACTCTCAAGAATGGCTGCATTTTACATCTCATCTCTCAAGTTTTACTCTG-3'